The following is an entry in ClinVar:

ClinVar aggregate classification (germline): Likely benign. Review status: criteria provided, multiple submitters, no conflicts (2 of 4 stars). 2 submissions from 2 submitters: Likely benign (2). Last evaluated 2025-12-03.

Conditions:
Cohen syndrome (COH1). Also called: Cutis verticis gyrata, retinitis pigmentosa, and sensorineural deafness; PEPPER SYNDROME. Identifiers: Orphanet 193, MedGen C0265223, MONDO:0008999, OMIM 216550.
VPS13B-related disorder. Also called: VPS13B-related condition.

Allele frequency attached by ClinVar (database versions not stated): gnomAD exomes 0.00001; ExAC 0.00002; gnomAD 0.00003 and 0.00004.
gnomAD v4.1: 14 of 1,613,800 alleles (0.00087%); highest among the groups gnomAD compares: African/African-American, 0.0093%; 1 homozygote.

Submissions (2):

PreventionGenetics, part of Exact Sciences
Classification: Likely benign for VPS13B-related condition. Last evaluated: 2025-12-03. Review status: criteria provided, single submitter. Criteria: ACMG Guidelines, 2015. Collection method: clinical testing. Allele origin: germline.
Comment: This variant is classified as likely benign based on ACMG/AMP sequence variant interpretation guidelines (Richards et al. 2015 PMID: 25741868, with internal and published modifications).

Labcorp Genetics (formerly Invitae), Labcorp
Classification: Likely benign for Cohen syndrome. Last evaluated: 2024-08-05. Review status: criteria provided, single submitter. Criteria: Invitae Variant Classification Sherloc (09022015). Collection method: clinical testing. Allele origin: germline.

NM_152564.5(VPS13B):c.3843A>G (p.Pro1281=)

Gene: VPS13B (vacuolar protein sorting 13 homolog B; plus strand). Cytogenetic location: 8q22.2.
Variant type: single nucleotide variant.
Coding change: c.3843A>G on transcript NM_152564.5 (MANE Select); coding-DNA position 3843, A replaced by G.
Protein change: p.Pro1281=; no amino-acid change (proline 1281 retained).
Molecular consequence: synonymous variant.
Genome position (GRCh38, 1-based): chr8:99,481,775, A>G. VCF-style: chr8-99481775-A-G. GRCh37 (hg19) VCF-style: chr8-100494003-A-G.
Other names: c.3843A>G, p.Pro1281= (NM_017890.5); c.3843A>G (NM_152564.4).
Identifiers: ClinVar variation 1558869 (VCV001558869.9), dbSNP rs766922292, ClinGen allele CA4823346.
Genomic context (GRCh38, chr8:99,481,775, plus strand): 5'-TACTTCTCCAGTTAGAAGCAGTATAGGCACAGCTCCTCCAGATACCAGCACATGCAGCCC[A>G]TCTGCTGACATTGGGACTACTACTGAGGTAAGTGTTTTTGAAAATCCTGTTACAAAATGA-3'
Protein context (NP_689777.3, residues 1271-1291): TAPPDTSTCS[Pro1281=]SADIGTTTEG